The following is an entry in ClinVar:

NM_031935.3(HMCN1):c.10770+5G>C

Gene: HMCN1 (hemicentin 1; plus strand). Cytogenetic location: 1q31.1.
Variant type: single nucleotide variant.
Coding change: c.10770+5G>C on transcript NM_031935.3 (MANE Select); 5 bases into the intron after coding-DNA position 10770, G replaced by C.
Molecular consequence: intron variant.
Genome position (GRCh38, 1-based): chr1:186,103,673, G>C. VCF-style: chr1-186103673-G-C. GRCh37 (hg19) VCF-style: chr1-186072805-G-C.
Identifiers: ClinVar variation 4694020 (VCV004694020.1).

ClinVar aggregate classification (germline): Uncertain significance (1 of 4 stars; one submission).

Submission:

Labcorp Genetics (formerly Invitae), Labcorp
Classification: Uncertain significance. Last evaluated: 2025-04-28. Review status: criteria provided, single submitter. Criteria: Invitae Variant Classification Sherloc (09022015). Collection method: clinical testing. Allele origin: germline.
Comment: This sequence change falls in intron 69 of the HMCN1 gene. It does not directly change the encoded amino acid sequence of the HMCN1 protein. It affects a nucleotide within the consensus splice site. This variant is not present in population databases (gnomAD no frequency). This variant has not been reported in the literature in individuals affected with HMCN1-related conditions. Variants that disrupt the consensus splice site are a relatively common cause of aberrant splicing (PMID: 17576681, 9536098). Algorithms developed to predict the effect of sequence changes on RNA splicing suggest that this variant is not likely to affect RNA splicing. In summary, the available evidence is currently insufficient to determine the role of this variant in disease. Therefore, it has been classified as a Variant of Uncertain Significance.

Literature cited by the submitters: PubMed 17576681; PubMed 9536098.